The following is an entry in ClinVar:

NM_021098.3(CACNA1H):c.6720C>G (p.Ala2240=)

Gene: CACNA1H (calcium voltage-gated channel subunit alpha1 H; plus strand). Cytogenetic location: 16p13.3.
Variant type: single nucleotide variant.
Coding change: c.6720C>G on transcript NM_021098.3 (MANE Select); coding-DNA position 6720, C replaced by G.
Protein change: p.Ala2240=; no amino-acid change (alanine 2240 retained).
Molecular consequence: synonymous variant.
Genome position (GRCh38, 1-based): chr16:1,220,652, C>G. VCF-style: chr16-1220652-C-G. GRCh37 (hg19) VCF-style: chr16-1270652-C-G.
Other names: c.6702C>G, p.Ala2234= (NM_001005407.2).
Identifiers: ClinVar variation 529647 (VCV000529647.13), dbSNP rs375725132, ClinGen allele CA7802470.
Genomic context (GRCh38, chr16:1,220,652, plus strand): 5'-CCCGTCCTGTGAGGCCACGCCTCACAGGGACTCCCTGGAGCCCACAGAGGGCTCAGGCGC[C>G]GGGGGGGACCCTGCAGCCAAGGGGGAGCGCTGGGGCCAGGCCTCCTGCCGGGCTGAGCAC-3'
Protein context (NP_066921.2, residues 2230-2250): DSLEPTEGSG[Ala2240=]GGDPAAKGER

ClinVar aggregate classification (germline): Likely benign. Review status: criteria provided, multiple submitters, no conflicts (2 of 4 stars). 4 submissions from 4 submitters: Likely benign (3). 1 of the submissions does not count toward it. Last evaluated 2025-12-20.

Conditions:
CACNA1H-related disorder.
Epilepsy, childhood absence, susceptibility to, 6. Identifiers: Orphanet 64280, MedGen C2749872, MONDO:0012763, OMIM 611942.
Hyperaldosteronism, familial, type IV (HALD4). Also called: FH IV; ALDOSTERONISM, PRIMARY, AND HYPERTENSION. Identifiers: Orphanet 642671, MedGen C4310756, MONDO:0014875, OMIM 617027.
Idiopathic generalized epilepsy. Also called: Generalised epilepsy; EIG. Identifiers: MedGen C0270850, MONDO:0005579, OMIM 600669.

Allele frequency attached by ClinVar (database versions not stated): gnomAD 0.00006; TOPMed 0.00006; 1000 Genomes Project 0.00020.
gnomAD v4.1: 107 of 1,603,948 alleles (0.0067%); highest among the groups gnomAD compares: Admixed American, 0.019%; 1 homozygote.

Submissions (4):

Labcorp Genetics (formerly Invitae), Labcorp
Classification: Likely benign for Idiopathic generalized epilepsy; Hyperaldosteronism, familial, type IV. Last evaluated: 2025-12-20. Review status: criteria provided, single submitter. Criteria: Invitae Variant Classification Sherloc (09022015). Collection method: clinical testing. Allele origin: germline.

Blueprint Genetics
Classification: Likely benign. Last evaluated: 2024-04-30. Review status: criteria provided, single submitter. Criteria: ACMG Guidelines, 2015. Collection method: clinical testing. Allele origin: germline.

Fulgent Genetics
Classification: Likely benign for Epilepsy, childhood absence, susceptibility to, 6; Hyperaldosteronism, familial, type IV. Last evaluated: 2021-11-02. Review status: criteria provided, single submitter. Criteria: ACMG Guidelines, 2015. Collection method: clinical testing. Allele origin: unknown.

PreventionGenetics, part of Exact Sciences
Classification: Likely benign for CACNA1H-related condition. Last evaluated: 2020-01-22. Review status: no assertion criteria provided. Collection method: clinical testing. Allele origin: germline. Not counted in ClinVar's aggregate classification.
Comment: This variant is classified as likely benign based on ACMG/AMP sequence variant interpretation guidelines (Richards et al. 2015 PMID: 25741868, with internal and published modifications).